The following is an entry in ClinVar:

NM_001025603.2(RFX5):c.1849del (p.Ter617AspextTer?)

Gene: RFX5 (regulatory factor X5; minus strand). Cytogenetic location: 1q21.3.
Variant type: Deletion.
Coding change: c.1849del on transcript NM_001025603.2 (MANE Select); coding-DNA position 1849, one base deleted (T; older notation c.1849delT).
Protein change: p.Ter617AspextTer?.
Molecular consequence: frameshift variant, stop lost.
Genome position (GRCh38, 1-based): chr1:151,342,188, A deleted on the plus strand (T on the coding strand, the reverse complement: RFX5 is on the minus strand). VCF-style (leftmost placement, unchanged base first): chr1-151342187-CA-C. GRCh37 (hg19) VCF-style: chr1-151314663-CA-C.
Other names: c.1849del, p.Ter617AspextTer? (NM_000449.4, NM_001379412.1, NM_001379413.1 and 5 more transcripts); c.1729del, p.Ter577AspextTer? (NM_001379419.1, NM_001379420.1).
Identifiers: ClinVar variation 1435728 (VCV001435728.6), dbSNP rs926636230, ClinGen allele CA29557386.
Genomic context (GRCh38, chr1:151,342,187, plus strand): 5'-GGGCCTCTACTAGGCAAAGTTAACGTAGGGATATAAACACTCTTCCCCACAGACCTGTAT[CA>C]TGGGGGTGTTGCTTTTGGGTCTTTATGCTCCTGGGATAAGGAACTTTGAAGCACATGCTC-3'

ClinVar aggregate classification (germline): Uncertain significance (1 of 4 stars; one submission).

Conditions:
MHC class II deficiency. Also called: BLS, TYPE II; Bare lymphocyte syndrome 2. Identifiers: Orphanet 572, MedGen C5447452, MONDO:0008855.

Allele frequency attached by ClinVar (database versions not stated): gnomAD exomes below 0.00001 and 0.00001; gnomAD 0.00001; TOPMed 0.00004.

Submission:

Labcorp Genetics (formerly Invitae), Labcorp
Classification: Uncertain significance for MHC class II deficiency. Last evaluated: 2023-12-11. Review status: criteria provided, single submitter. Criteria: Invitae Variant Classification Sherloc (09022015). Collection method: clinical testing. Allele origin: germline.
Comment: This sequence change disrupts the translational stop signal of the RFX5 mRNA. It is expected to extend the length of the RFX5 protein by 13 additional amino acid residues. This variant is present in population databases (no rsID available, gnomAD 0.003%). This variant has not been reported in the literature in individuals affected with RFX5-related conditions. ClinVar contains an entry for this variant (Variation ID: 1435728). Experimental studies and prediction algorithms are not available or were not evaluated, and the functional significance of this variant is currently unknown. In summary, the available evidence is currently insufficient to determine the role of this variant in disease. Therefore, it has been classified as a Variant of Uncertain Significance.